The following is an entry in ClinVar:

NM_182914.3(SYNE2):c.4928G>T (p.Arg1643Leu)

Gene: SYNE2 (spectrin repeat containing nuclear envelope protein 2; plus strand). Cytogenetic location: 14q23.2.
Variant type: single nucleotide variant.
Coding change: c.4928G>T on transcript NM_182914.3 (MANE Select); coding-DNA position 4928, G replaced by T.
Protein change: p.Arg1643Leu; replaces arginine 1643 with leucine.
Molecular consequence: missense variant.
Genome position (GRCh38, 1-based): chr14:64,017,635, G>T. VCF-style: chr14-64017635-G-T. GRCh37 (hg19) VCF-style: chr14-64484353-G-T.
Other names: c.4928G>T, p.Arg1643Leu (NM_015180.6); short protein forms R1643L.
Identifiers: ClinVar variation 4695971 (VCV004695971.1).

ClinVar aggregate classification (germline): Uncertain significance (1 of 4 stars; one submission).

Conditions:
Emery-Dreifuss muscular dystrophy 5, autosomal dominant (EDMD5). Also called: EMERY-DREIFUSS MUSCULAR DYSTROPHY 5. Identifiers: Orphanet 261, MedGen C2751805, MONDO:0013072, OMIM 612999.

gnomAD v4.1: 2 of 1,613,210 alleles (0.00012%); highest among the groups gnomAD compares: Non-Finnish European, 0.00017%; no homozygotes.

Submission:

Labcorp Genetics (formerly Invitae), Labcorp
Classification: Uncertain significance for Emery-Dreifuss muscular dystrophy 5, autosomal dominant. Last evaluated: 2025-07-19. Review status: criteria provided, single submitter. Criteria: Invitae Variant Classification Sherloc (09022015). Collection method: clinical testing. Allele origin: germline.
Comment: This sequence change replaces arginine, which is basic and polar, with leucine, which is neutral and non-polar, at codon 1643 of the SYNE2 protein (p.Arg1643Leu). This variant is not present in population databases (gnomAD no frequency). This variant has not been reported in the literature in individuals affected with SYNE2-related conditions. An algorithm developed to predict the effect of missense changes on protein structure and function (PolyPhen-2) suggests that this variant is likely to be disruptive. In summary, the available evidence is currently insufficient to determine the role of this variant in disease. Therefore, it has been classified as a Variant of Uncertain Significance.